The following is an entry in ClinVar:

NM_152641.4(ARID2):c.4705G>A (p.Ala1569Thr)

Gene: ARID2 (AT-rich interaction domain 2; plus strand). Cytogenetic location: 12q12.
Variant type: single nucleotide variant.
Coding change: c.4705G>A on transcript NM_152641.4 (MANE Select); coding-DNA position 4705, G replaced by A.
Protein change: p.Ala1569Thr; replaces alanine 1569 with threonine.
Molecular consequence: missense variant.
Genome position (GRCh38, 1-based): chr12:45,852,828, G>A. VCF-style: chr12-45852828-G-A. GRCh37 (hg19) VCF-style: chr12-46246611-G-A.
Other names: NC_000012.11:g.46246611G>A; c.4705G>A, p.Ala1569Thr (NM_001347839.2); c.4705G>A (NM_152641.3); short protein forms A1569T.
Identifiers: ClinVar variation 133571 (VCV000133571.33), dbSNP rs78712333, ClinGen allele CA156970.

ClinVar aggregate classification (germline): Likely benign. Review status: criteria provided, multiple submitters, no conflicts (2 of 4 stars). 6 submissions from 6 submitters: Likely benign (4). 2 of the submissions do not count toward it. Last evaluated 2026-04-01.

Conditions:
ARID2-related disorder. Also called: ARID2-related condition.

Allele frequency attached by ClinVar (database versions not stated): 1000 Genomes Project 30x 0.00094; 1000 Genomes Project 0.00100; gnomAD 0.00127 and 0.00128; TOPMed 0.00139; gnomAD exomes 0.00149 and 0.00192; ExAC 0.00154; ESP Exome Variant Server 0.00223.
gnomAD v4.1: 2,408 of 1,613,696 alleles (0.15%); highest among the groups gnomAD compares: Middle Eastern, 0.15%; 6 homozygotes.

Submissions (8):

CeGaT Center for Human Genetics Tuebingen
Classification: Likely benign. Last evaluated: 2026-04-01. Review status: criteria provided, single submitter. Criteria: CeGaT Center For Human Genetics Tuebingen Variant Classification Criteria Version 2. Collection method: clinical testing. Allele origin: germline. Affected: yes. Observed: 9 variant alleles.
Comment: ARID2: BS1

Blueprint Genetics
Classification: Likely benign. Last evaluated: 2024-11-27. Review status: criteria provided, single submitter. Criteria: ACMG Guidelines, 2015. Collection method: clinical testing. Allele origin: germline.

Labcorp Genetics (formerly Invitae), Labcorp
Classification: Likely benign. Last evaluated: 2019-12-31. Review status: criteria provided, single submitter. Criteria: Invitae Variant Classification Sherloc (09022015). Collection method: clinical testing. Allele origin: germline.

Breakthrough Genomics
Classification: Likely benign. Review status: criteria provided, single submitter. Criteria: ACMG Guidelines, 2015. Collection method: not provided. Allele origin: germline. Inheritance: Autosomal dominant inheritance. Affected: yes.

PreventionGenetics, part of Exact Sciences
Classification: Benign for ARID2-related condition. Last evaluated: 2019-07-11. Review status: no assertion criteria provided. Collection method: clinical testing. Allele origin: germline. Not counted in ClinVar's aggregate classification.
Comment: This variant is classified as benign based on ACMG/AMP sequence variant interpretation guidelines (Richards et al. 2015 PMID: 25741868, with internal and published modifications).

ITMI
No classification provided. Condition: AllHighlyPenetrant. Last evaluated: 2013-09-19. Review status: no classification provided. Collection method: reference population. Allele origin: germline. Not counted in ClinVar's aggregate classification.
Comment: Please see associated publication for description of ethnicities

Dr. Peter K. Rogan Lab, Western University
No classification provided (evidence only). Condition: Thyroid cancer, nonmedullary, 1. Review status: no classification provided. Collection method: in vitro. Allele origin: not applicable. Functional consequence: retained intron. Not counted in ClinVar's aggregate classification.

Dr. Peter K. Rogan Lab, Western University
No classification provided (evidence only). Condition: Gastric cancer. Review status: no classification provided. Collection method: in vitro. Allele origin: not applicable. Functional consequence: retained intron. Not counted in ClinVar's aggregate classification.

Literature cited by the submitters: PubMed 24728327 (cited by ITMI).